The following is an entry in ClinVar:

NM_000038.6(APC):c.1141G>T (p.Ala381Ser)

Gene: APC (APC regulator of Wnt signaling pathway; plus strand). Cytogenetic location: 5q22.2.
Variant type: single nucleotide variant.
Coding change: c.1141G>T on transcript NM_000038.6 (MANE Select); coding-DNA position 1141, G replaced by T.
Protein change: p.Ala381Ser; replaces alanine 381 with serine.
Molecular consequence: missense variant. On other transcripts: intron variant (4).
Genome position (GRCh38, 1-based): chr5:112,819,173, G>T. VCF-style: chr5-112819173-G-T. GRCh37 (hg19) VCF-style: chr5-112154870-G-T.
Other names: c.1141G>T, p.Ala381Ser (NM_001127510.3, NM_001354895.2, NM_001354896.2); c.1087G>T, p.Ala363Ser (NM_001127511.3); c.1171G>T, p.Ala391Ser (NM_001354897.2); c.1066G>T, p.Ala356Ser (NM_001354898.2); c.1057G>T, p.Ala353Ser (NM_001354899.2); c.964G>T, p.Ala322Ser (NM_001354900.2, NM_001354901.2); c.292G>T, p.Ala98Ser (NM_001354906.2); c.964-96G>T (NM_001354902.2); and 3 more; short protein forms A322S, A353S, A356S, A363S, A381S, A391S, A98S.
Identifiers: ClinVar variation 1057548 (VCV001057548.11), dbSNP rs1363425080, ClinGen allele CA16023806.

ClinVar aggregate classification (germline): Uncertain significance. Review status: criteria provided, multiple submitters, no conflicts (2 of 4 stars). 2 submissions from 2 submitters: Uncertain significance (2). Last evaluated 2023-10-18.

Conditions:
Familial adenomatous polyposis 1 (FAP1). Also called: FAMILIAL ADENOMATOUS POLYPOSIS 1, ATTENUATED; POLYPOSIS, ADENOMATOUS INTESTINAL. Identifiers: MedGen C2713442, MONDO:0021056, OMIM 175100. Disease mechanism: loss of function.

Allele frequency attached by ClinVar (database versions not stated): gnomAD exomes below 0.00001.
gnomAD v4.1: 1 of 1,613,994 alleles (0.000062%); highest among the groups gnomAD compares: South Asian, 0.0011%; no homozygotes.

Submissions (2):

St. Jude Molecular Pathology, St. Jude Children's Research Hospital
Classification: Uncertain significance for Familial adenomatous polyposis 1. Last evaluated: 2023-10-18. Review status: criteria provided, single submitter. Criteria: St. Jude Assertion Criteria 2020. Collection method: clinical testing. Allele origin: germline.
Comment: The APC c.1141G>T (p.Ala381Ser) missense change has a maximum subpopulation frequency of 0.0032% in gnomAD v2.1.1. The in silico tool REVEL predicts a benign effect on protein function, but to our knowledge this prediction has not been confirmed by functional studies. To our knowledge, this variant has not been reported in the literature in individuals with APC-related disease. In summary, the evidence currently available is insufficient to determine the clinical significance of this variant. It has therefore been classified as of uncertain significance.

Labcorp Genetics (formerly Invitae), Labcorp
Classification: Uncertain significance for Familial adenomatous polyposis 1. Last evaluated: 2020-08-15. Review status: criteria provided, single submitter. Criteria: Invitae Variant Classification Sherloc (09022015). Collection method: clinical testing. Allele origin: germline.
Comment: In summary, the available evidence is currently insufficient to determine the role of this variant in disease. Therefore, it has been classified as a Variant of Uncertain Significance. Algorithms developed to predict the effect of missense changes on protein structure and function (SIFT, PolyPhen-2, Align-GVGD) all suggest that this variant is likely to be tolerated, but these predictions have not been confirmed by published functional studies and their clinical significance is uncertain. This variant has not been reported in the literature in individuals with APC-related conditions. This variant is not present in population databases (ExAC no frequency). This sequence change replaces alanine with serine at codon 381 of the APC protein (p.Ala381Ser). The alanine residue is highly conserved and there is a moderate physicochemical difference between alanine and serine.